The following is an entry in ClinVar:

ClinVar aggregate classification (germline): Uncertain significance (1 of 4 stars; one submission).

Conditions:
Alpha thalassemia-X-linked intellectual disability syndrome (ATRX). Also called: ALPHA-THALASSEMIA/MENTAL RETARDATION SYNDROME, X-LINKED; ATR, NONDELETION TYPE; ATR-X syndrome; Alpha thalassemia mental retardation syndrome, nondeletion type, X-linked; XLMR hypotonic face syndrome; X-linked alpha-thalassemia-mental retardation syndrome. Identifiers: Orphanet 847, MedGen C1845055, MONDO:0010519, OMIM 301040.

Submission:

Labcorp Genetics (formerly Invitae), Labcorp
Classification: Uncertain significance for Alpha thalassemia-X-linked intellectual disability syndrome. Last evaluated: 2024-08-27. Review status: criteria provided, single submitter. Criteria: Invitae Variant Classification Sherloc (09022015). Collection method: clinical testing. Allele origin: germline.
Comment: This sequence change replaces glutamic acid, which is acidic and polar, with lysine, which is basic and polar, at codon 500 of the ATRX protein (p.Glu500Lys). This variant is not present in population databases (gnomAD no frequency). This variant has not been reported in the literature in individuals affected with ATRX-related conditions. Invitae Evidence Modeling of protein sequence and biophysical properties (such as structural, functional, and spatial information, amino acid conservation, physicochemical variation, residue mobility, and thermodynamic stability) indicates that this missense variant is not expected to disrupt ATRX protein function with a negative predictive value of 95%. In summary, the available evidence is currently insufficient to determine the role of this variant in disease. Therefore, it has been classified as a Variant of Uncertain Significance.

NM_000489.6(ATRX):c.1498G>A (p.Glu500Lys)

Gene: ATRX (ATRX chromatin remodeler; minus strand). Cytogenetic location: Xq21.1.
Variant type: single nucleotide variant.
Coding change: c.1498G>A on transcript NM_000489.6 (MANE Select); coding-DNA position 1498, G replaced by A.
Protein change: p.Glu500Lys; replaces glutamic acid 500 with lysine.
Molecular consequence: missense variant.
Genome position (GRCh38, 1-based): chrX:77,683,758, C>T on the plus strand (G>A on the coding strand, the complement: ATRX is on the minus strand). VCF-style: chrX-77683758-C-T. GRCh37 (hg19) VCF-style: chrX-76939250-C-T.
Other names: c.1384G>A, p.Glu462Lys (NM_138270.5); short protein forms E462K, E500K.
Identifiers: ClinVar variation 3617559 (VCV003617559.2).